The following is an entry in ClinVar:

ClinVar aggregate classification (germline): Uncertain significance (1 of 4 stars; one submission).

Submission:

Labcorp Genetics (formerly Invitae), Labcorp
Classification: Uncertain significance. Last evaluated: 2023-07-10. Review status: criteria provided, single submitter. Criteria: Invitae Variant Classification Sherloc (09022015). Collection method: clinical testing. Allele origin: germline.
Comment: This variant results in a copy number gain of the genomic region encompassing exon(s) 2 of the GHR gene. This region includes the initiator codon of the gene. This copy number gain extends beyond the assayed region for this gene and therefore may encompass additional genes. As the precise location of this event is unknown, it may be in tandem or it may be located elsewhere in the genome. This variant has not been reported in the literature in individuals affected with GHR-related conditions. Experimental studies and prediction algorithms are not available or were not evaluated, and the functional significance of this variant is currently unknown. In summary, the available evidence is currently insufficient to determine the role of this variant in disease. Therefore, it has been classified as a Variant of Uncertain Significance.

NC_000005.9:g.(?_42565977)_(42566066_?)dup

Gene: GHR (growth hormone receptor; plus strand). Cytogenetic location: 5p12.
Variant type: Duplication.
Identifiers: ClinVar variation 1409146 (VCV001409146.5).